The following is an entry in ClinVar:

NM_020806.5(GPHN):c.1235G>A (p.Arg412Gln)

Gene: GPHN (gephyrin; plus strand). Cytogenetic location: 14q23.3.
Variant type: single nucleotide variant.
Coding change: c.1235G>A on transcript NM_020806.5 (MANE Select); coding-DNA position 1235, G replaced by A.
Protein change: p.Arg412Gln; replaces arginine 412 with glutamine.
Molecular consequence: missense variant.
Genome position (GRCh38, 1-based): chr14:67,089,073, G>A. VCF-style: chr14-67089073-G-A. GRCh37 (hg19) VCF-style: chr14-67555790-G-A.
Other names: c.1136G>A, p.Arg379Gln (NM_001024218.2); c.1295G>A, p.Arg432Gln (NM_001377514.1); c.1265G>A, p.Arg422Gln (NM_001377515.1); c.1256G>A, p.Arg419Gln (NM_001377516.1); c.1208G>A, p.Arg403Gln (NM_001377517.1); c.1193G>A, p.Arg398Gln (NM_001377518.1); c.1175G>A, p.Arg392Gln (NM_001377519.1); short protein forms R403Q, R412Q, R379Q, R398Q, R419Q, R422Q, R392Q, R432Q.
Identifiers: ClinVar variation 2053633 (VCV002053633.5), dbSNP rs1336840604, ClinGen allele CA390257351.

ClinVar aggregate classification (germline): Uncertain significance. Review status: criteria provided, multiple submitters, no conflicts (2 of 4 stars). 2 submissions from 2 submitters: Uncertain significance (2). Last evaluated 2022-08-23.

Conditions:
Sulfite oxidase deficiency due to molybdenum cofactor deficiency type C. Also called: Molybdenum cofactor deficiency, complementation group C; Molybdenum cofactor deficiency C. Identifiers: Orphanet 308400, Orphanet 833, MedGen C1854990, MONDO:0014212, OMIM 615501.

Allele frequency attached by ClinVar (database versions not stated): gnomAD exomes below 0.00001.
gnomAD v4.1: 1 of 1,502,954 alleles (0.000067%); highest among the groups gnomAD compares: Non-Finnish European, 0.000093%; no homozygotes.

Submissions (2):

Labcorp Genetics (formerly Invitae), Labcorp
Classification: Uncertain significance for Sulfite oxidase deficiency due to molybdenum cofactor deficiency type C. Last evaluated: 2022-08-23. Review status: criteria provided, single submitter. Criteria: Invitae Variant Classification Sherloc (09022015). Collection method: clinical testing. Allele origin: germline.
Comment: In summary, the available evidence is currently insufficient to determine the role of this variant in disease. Therefore, it has been classified as a Variant of Uncertain Significance. Algorithms developed to predict the effect of missense changes on protein structure and function (SIFT, PolyPhen-2, Align-GVGD) all suggest that this variant is likely to be tolerated. This variant has not been reported in the literature in individuals affected with GPHN-related conditions. This variant is not present in population databases (gnomAD no frequency). This sequence change replaces arginine, which is basic and polar, with glutamine, which is neutral and polar, at codon 412 of the GPHN protein (p.Arg412Gln).

Blueprint Genetics
Classification: Uncertain significance. Last evaluated: 2020-07-24. Review status: criteria provided, single submitter. Criteria: ACMG Guidelines, 2015. Collection method: clinical testing. Allele origin: germline.